The following is an entry in ClinVar:

ClinVar aggregate classification (germline): Likely benign (1 of 4 stars; one submission).

Submission:

CeGaT Center for Human Genetics Tuebingen
Classification: Likely benign. Last evaluated: 2025-04-01. Review status: criteria provided, single submitter. Criteria: CeGaT Center For Human Genetics Tuebingen Variant Classification Criteria Version 2. Collection method: clinical testing. Allele origin: germline. Affected: yes. Observed: 1 variant allele.
Comment: LINS1: PM2:Supporting, BP4, BP7

NM_001040616.3(LINS1):c.1995G>C (p.Gly665=)

Gene: LINS1 (lines homolog 1; minus strand). Cytogenetic location: 15q26.3.
Variant type: single nucleotide variant.
Coding change: c.1995G>C on transcript NM_001040616.3 (MANE Select); coding-DNA position 1995, G replaced by C.
Protein change: p.Gly665=; no amino-acid change (glycine 665 retained).
Molecular consequence: synonymous variant. On other transcripts: non-coding transcript variant (3).
Genome position (GRCh38, 1-based): chr15:100,569,517, C>G on the plus strand (G>C on the coding strand, the complement: LINS1 is on the minus strand). VCF-style: chr15-100569517-C-G. GRCh37 (hg19) VCF-style: chr15-101109722-C-G.
Other names: c.1248G>C, p.Gly416= (NM_001352507.2); c.1842G>C, p.Gly614= (NM_001352508.2).
Identifiers: ClinVar variation 3898658 (VCV003898658.7).